The following is an entry in ClinVar:

NM_000051.4(ATM):c.4723C>T (p.Arg1575Cys)

Gene: ATM (ATM serine/threonine kinase; plus strand). Cytogenetic location: 11q22.3.
Variant type: single nucleotide variant.
Coding change: c.4723C>T on transcript NM_000051.4 (MANE Select); coding-DNA position 4723, C replaced by T.
Protein change: p.Arg1575Cys; replaces arginine 1575 with cysteine.
Molecular consequence: missense variant.
Genome position (GRCh38, 1-based): chr11:108,293,424, C>T. VCF-style: chr11-108293424-C-T. GRCh37 (hg19) VCF-style: chr11-108164151-C-T.
Other names: c.4723C>T, p.Arg1575Cys (NM_001351834.2); short protein forms R1575C.
Identifiers: ClinVar variation 825125 (VCV000825125.23), dbSNP rs1408892416, ClinGen allele CA382534975.
Genomic context (GRCh38, chr11:108,293,424, plus strand): 5'-CTCTATATCACGATTAAGCTTTTAGATCCTTTTCCTGACCATGTTGTTTTTAAGGATTTG[C>T]GTATTACTCAGCAAAAAATCAAATACAGTAGAGGACCCTTTTCACTCTTGGAGGTAATAA-3'
Protein context (NP_000042.3, residues 1565-1585): FPDHVVFKDL[Arg1575Cys]ITQQKIKYSR

ClinVar aggregate classification (germline): Uncertain significance. Review status: criteria provided, multiple submitters, no conflicts (2 of 4 stars). 5 submissions from 5 submitters: Uncertain significance (4). 1 of the submissions does not count toward it. Last evaluated 2025-06-02.

Conditions:
Hereditary cancer-predisposing syndrome. Also called: Neoplastic Syndromes, Hereditary; Hereditary Cancer Syndrome; Hereditary neoplastic syndrome; Tumor predisposition. Identifiers: Orphanet 140162, MedGen C0027672, MeSH D009386, MONDO:0015356.
Ataxia-telangiectasia syndrome (AT). Also called: ATAXIA-TELANGIECTASIA, COMPLEMENTATION GROUP A; ATAXIA-TELANGIECTASIA, FRESNO VARIANT; Ataxia-telangiectasia, complementation group E; Ataxia telangiectasia (A-T); LOUIS-BAR SYNDROME; Cerebello-oculocutaneous telangiectasia. Identifiers: Orphanet 100, MedGen C0004135, MONDO:0008840, OMIM 208900.

Allele frequency attached by ClinVar (database versions not stated): gnomAD exomes below 0.00001.
gnomAD v4.1: 2 of 1,612,344 alleles (0.00012%); highest among the groups gnomAD compares: Admixed American, 0.0017%; no homozygotes.

Submissions (5):

Labcorp Genetics (formerly Invitae), Labcorp
Classification: Uncertain significance for Ataxia-telangiectasia syndrome. Last evaluated: 2025-06-02. Review status: criteria provided, single submitter. Criteria: Invitae Variant Classification Sherloc (09022015). Collection method: clinical testing. Allele origin: germline.
Comment: This sequence change replaces arginine, which is basic and polar, with cysteine, which is neutral and slightly polar, at codon 1575 of the ATM protein (p.Arg1575Cys). This variant is present in population databases (no rsID available, gnomAD 0.003%). This variant has not been reported in the literature in individuals affected with ATM-related conditions. ClinVar contains an entry for this variant (Variation ID: 825125). Invitae Evidence Modeling of protein sequence and biophysical properties (such as structural, functional, and spatial information, amino acid conservation, physicochemical variation, residue mobility, and thermodynamic stability) indicates that this missense variant is not expected to disrupt ATM protein function with a negative predictive value of 95%. In summary, the available evidence is currently insufficient to determine the role of this variant in disease. Therefore, it has been classified as a Variant of Uncertain Significance.

Molecular Pathology, Peter Maccallum Cancer Centre
Classification: Uncertain significance for Ataxia-telangiectasia syndrome. Last evaluated: 2025-04-10. Review status: criteria provided, single submitter. Criteria: ACMG Guidelines, 2015. Collection method: clinical testing. Allele origin: germline. Inheritance: Autosomal recessive inheritance.

Ambry Genetics
Classification: Uncertain significance for Hereditary cancer-predisposing syndrome. Last evaluated: 2023-10-04. Review status: criteria provided, single submitter. Criteria: Ambry Variant Classification Scheme 2023. Collection method: clinical testing. Allele origin: germline.
Comment: The p.R1575C variant (also known as c.4723C>T), located in coding exon 30 of the ATM gene, results from a C to T substitution at nucleotide position 4723. The arginine at codon 1575 is replaced by cysteine, an amino acid with highly dissimilar properties. This alteration was detected in 1/1054 Hispanic BRCA1/2-negative probands with hereditary breast cancer and 0/1189 controls (Weitzel JN et al. Cancer, 2019 Aug;125:2829-2836). This amino acid position is highly conserved in available vertebrate species. In addition, the in silico prediction for this alteration is inconclusive. Since supporting evidence is limited at this time, the clinical significance of this alteration remains unclear.

Color Diagnostics, LLC DBA Color Health
Classification: Uncertain significance for Hereditary cancer-predisposing syndrome. Last evaluated: 2020-03-09. Review status: criteria provided, single submitter. Criteria: ACMG Guidelines, 2015. Collection method: clinical testing. Allele origin: germline.
Comment: This missense variant replaces arginine with cysteine at codon 1575 of the ATM protein. Computational prediction is inconclusive regarding the impact of this variant on protein structure and function (internally defined REVEL score threshold 0.5 < inconclusive < 0.7, PMID: 27666373). Splice site prediction tools suggest that this variant may not impact RNA splicing. To our knowledge, functional studies have not been reported for this variant. This variant has not been reported in individuals affected with hereditary cancer in the literature. This variant has not been identified in the general population by the Genome Aggregation Database (gnomAD). The available evidence is insufficient to determine the role of this variant in disease conclusively. Therefore, this variant is classified as a Variant of Uncertain Significance.

Natera, Inc.
Classification: Uncertain significance for Ataxia-telangiectasia. Last evaluated: 2020-10-15. Review status: no assertion criteria provided. Collection method: clinical testing. Allele origin: germline. Not counted in ClinVar's aggregate classification.

Literature cited by the submitters: PubMed 30287823 (cited by Ambry Genetics); PubMed 31206626 (cited by Ambry Genetics).